The following is an entry in ClinVar:

ClinVar aggregate classification (germline): Likely pathogenic (1 of 4 stars; one submission).

Submission:

Dasa
Classification: Likely pathogenic. Last evaluated: 2025-04-29. Review status: criteria provided, single submitter. Criteria: DASA Assertion Criteria. Collection method: clinical testing. Allele origin: germline.
Comment: NM_001127178.3(PIGG):c.1492_1493del (p.Cys498Leufs*104) is a frameshift variant in PIGG predicted to alter the reading frame and introduce a premature termination codon and is predicted to result in an absent or altered protein product. Loss of function is an established disease mechanism for PIGG-associated disorders. Also, this variant is rare in population databases. Based on the currently available evidence, this variant is classified as likely pathogenic.

NM_001127178.3(PIGG):c.1492_1493del (p.Cys498fs)

Gene: PIGG (phosphatidylinositol glycan anchor biosynthesis class G (EMM blood group); plus strand). Cytogenetic location: 4p16.3.
Variant type: Deletion.
Coding change: c.1492_1493del on transcript NM_001127178.3 (MANE Select); coding-DNA positions 1492 to 1493, 2 bases deleted (TG; older notation c.1492_1493delTG).
Protein change: p.Cys498fs; shifts the reading frame from cysteine 498.
Molecular consequence: frameshift variant. On other transcripts: 3 prime UTR variant (2), 5 prime UTR variant (2), non-coding transcript variant (10).
Genome position (GRCh38, 1-based): chr4:521,819-521,820, TG deleted; deleting any 2 consecutive bases within chr4:521,818-521,820 gives the same sequence; the c. name uses the placement nearest the transcript's 3' end. VCF-style (leftmost placement, unchanged base first): chr4-521817-CGT-C. GRCh37 (hg19) VCF-style: chr4-515606-CGT-C.
Other names: c.1225_1226del, p.Cys409fs (NM_001289051.2, NM_001289053.2, NM_001345986.2); c.1093_1094del, p.Cys365fs (NM_001289052.2); c.*54_*55del (NM_001289055.2); c.*107_*108del (NM_001289057.2); c.1201_1202del, p.Cys401fs (NM_001345987.2); c.463_464del, p.Cys155fs (NM_001345988.2); c.1492_1493del, p.Cys498fs (NM_001345989.2); c.-42_-41del (NM_001345990.2, NM_001345991.2); and 2 more; short protein forms C132fs, C155fs, C365fs, C401fs, C409fs, C490fs, C498fs.
Identifiers: ClinVar variation 4884238 (VCV004884238.2).